The following is an entry in ClinVar:

ClinVar aggregate classification (germline): Uncertain significance (1 of 4 stars; one submission).

Conditions:
Intellectual developmental disorder, X-linked 93. Also called: MENTAL RETARDATION, X-LINKED, WITH MACROCEPHALY; Intellectual disability, X-linked 93. Identifiers: MedGen C1970841, MONDO:0010393, OMIM 300659.

Submission:

Institute of Human Genetics, University of Leipzig Medical Center
Classification: Uncertain significance for Intellectual developmental disorder, X-linked 93. Last evaluated: 2021-08-17. Review status: criteria provided, single submitter. Criteria: ACMG Guidelines, 2015. Collection method: clinical testing. Allele origin: maternal. Affected: yes.
Comment: Classification criteria: PVS1_MOD, PM2_SUP

NM_153252.5(BRWD3):c.4887delinsAGATCA (p.Arg1630fs)

Gene: BRWD3 (bromodomain and WD repeat domain containing 3; minus strand). Cytogenetic location: Xq21.1.
Variant type: Indel.
Coding change: c.4887delinsAGATCA on transcript NM_153252.5 (MANE Select); coding-DNA position 4887, C replaced by AGATCA.
Protein change: p.Arg1630fs; shifts the reading frame from arginine 1630.
Molecular consequence: frameshift variant.
Genome position (GRCh38, 1-based): chrX:80,677,131, G replaced by TGATCT on the plus strand (C replaced by AGATCA on the coding strand, the reverse complement: BRWD3 is on the minus strand). VCF-style: chrX-80677131-G-TGATCT. GRCh37 (hg19) VCF-style: chrX-79932630-G-TGATCT.
Other names: short protein forms R1630fs.
Identifiers: ClinVar variation 1297032 (VCV001297032.1), dbSNP rs2147667202, ClinGen allele CA2499226891.